The following is an entry in ClinVar:

NM_001370466.1(NOD2):c.1188G>T (p.Val396=)

Gene: NOD2 (nucleotide binding oligomerization domain containing 2; plus strand). Cytogenetic location: 16q12.1.
Variant type: single nucleotide variant.
Coding change: c.1188G>T on transcript NM_001370466.1 (MANE Select); coding-DNA position 1188, G replaced by T.
Protein change: p.Val396=; no amino-acid change (valine 396 retained).
Molecular consequence: synonymous variant. On other transcripts: non-coding transcript variant (1).
Genome position (GRCh38, 1-based): chr16:50,711,180, G>T. VCF-style: chr16-50711180-G-T. GRCh37 (hg19) VCF-style: chr16-50745091-G-T.
Other names: c.1269G>T (LRG_177t1); c.1188G>T, p.Val396= (NM_001293557.2); c.1269G>T, p.Val423= (NM_022162.3).
Identifiers: ClinVar variation 319443 (VCV000319443.27), dbSNP rs77966199, ClinGen allele CA8051500.

ClinVar aggregate classification (germline): Benign/Likely benign. Review status: criteria provided, multiple submitters, no conflicts (2 of 4 stars). 9 submissions from 8 submitters: Benign (3); Likely benign (3). 3 of the submissions do not count toward it. Last evaluated 2026-02-01.

Conditions:
NOD2-related disorder. Also called: NOD2-related condition.
Autoinflammatory syndrome. Identifiers: Orphanet 93665, MedGen C3890737, MONDO:0019751.
Inflammatory bowel disease 1 (IBD1). Also called: INFLAMMATORY BOWEL DISEASE (CROHN DISEASE) 1; Inflammatory bowel disease 1, Crohn disease. Identifiers: MedGen CN260071, MONDO:0009960, OMIM 266600.
Blau syndrome (BLAUS). Also called: GRANULOMATOSIS, FAMILIAL JUVENILE SYSTEMIC; GRANULOMATOSIS, FAMILIAL, BLAU TYPE; GRANULOMATOUS INFLAMMATORY ARTHRITIS, DERMATITIS, AND UVEITIS, FAMILIAL; JABS SYNDROME; ARTHROCUTANEOUVEAL GRANULOMATOSIS. Identifiers: Orphanet 90340, MedGen C5201146, MONDO:0008523, OMIM 186580.
Regional enteritis. Also called: Enteritis, Granulomatous. Identifiers: MedGen C0678202, MeSH D003424.

Allele frequency attached by ClinVar (database versions not stated): ExAC 0.00066; 1000 Genomes Project 0.00140; 1000 Genomes Project 30x 0.00172; gnomAD 0.00249 and 0.00273; ESP Exome Variant Server 0.00269; TOPMed 0.00290.
gnomAD v4.1: 724 of 1,614,106 alleles (0.045%); highest among the groups gnomAD compares: African/African-American, 0.86%; 9 homozygotes.

Submissions (9):

Labcorp Genetics (formerly Invitae), Labcorp
Classification: Benign for Regional enteritis; Blau syndrome. Last evaluated: 2026-02-01. Review status: criteria provided, single submitter. Criteria: Invitae Variant Classification Sherloc (09022015). Collection method: clinical testing. Allele origin: germline.

ARUP Laboratories, Molecular Genetics and Genomics, ARUP Laboratories
Classification: Benign. Last evaluated: 2025-06-02. Review status: criteria provided, single submitter. Criteria: ARUP Molecular Germline Variant Investigation Process 2024. Collection method: clinical testing. Allele origin: germline.

Blueprint Genetics
Classification: Likely benign. Last evaluated: 2024-11-25. Review status: criteria provided, single submitter. Criteria: ACMG Guidelines, 2015. Collection method: clinical testing. Allele origin: germline.

Genome Diagnostics Laboratory, The Hospital for Sick Children
Classification: Likely benign for Autoinflammatory syndrome. Last evaluated: 2020-03-01. Review status: criteria provided, single submitter. Criteria: ACMG Guidelines, 2015. Collection method: clinical testing. Allele origin: germline. Affected: yes.

Illumina Laboratory Services, Illumina
Classification: Likely benign for Inflammatory bowel disease 1. Last evaluated: 2018-01-13. Review status: criteria provided, single submitter. Criteria: ICSL Variant Classification Criteria 13 December 2019. Collection method: clinical testing. Allele origin: germline.
Comment: This variant was observed in the ICSL laboratory as part of a predisposition screen in an ostensibly healthy population. It had not been previously curated by ICSL or reported in the Human Gene Mutation Database (HGMD: prior to June 1st, 2018), and was therefore a candidate for classification through an automated scoring system. Utilizing variant allele frequency, disease prevalence and penetrance estimates, and inheritance mode, an automated score was calculated to assess if this variant is too frequent to cause the disease. Based on the score and internal cut-off values, a variant classified as likely benign is not then subjected to further curation. The score for this variant resulted in a classification of likely benign for this disease.

Illumina Laboratory Services, Illumina
Classification: Benign for Blau syndrome. Last evaluated: 2018-01-13. Review status: criteria provided, single submitter. Criteria: ICSL Variant Classification Criteria 13 December 2019. Collection method: clinical testing. Allele origin: germline.
Comment: This variant was observed in the ICSL laboratory as part of a predisposition screen in an ostensibly healthy population. It had not been previously curated by ICSL or reported in the Human Gene Mutation Database (HGMD: prior to June 1st, 2018), and was therefore a candidate for classification through an automated scoring system. Utilizing variant allele frequency, disease prevalence and penetrance estimates, and inheritance mode, an automated score was calculated to assess if this variant is too frequent to cause the disease. Based on the score and internal cut-off values, a variant classified as benign is not then subjected to further curation. The score for this variant resulted in a classification of benign for this disease.

PreventionGenetics, part of Exact Sciences
Classification: Likely benign for NOD2-related condition. Last evaluated: 2019-12-19. Review status: no assertion criteria provided. Collection method: clinical testing. Allele origin: germline. Not counted in ClinVar's aggregate classification.
Comment: This variant is classified as likely benign based on ACMG/AMP sequence variant interpretation guidelines (Richards et al. 2015 PMID: 25741868, with internal and published modifications).

Clinical Genetics DNA and cytogenetics Diagnostics Lab, Erasmus MC, Erasmus Medical Center
Classification: Likely benign. Review status: no assertion criteria provided. Collection method: clinical testing. Allele origin: germline. Affected: yes. Study: VKGL Data-share Consensus. Not counted in ClinVar's aggregate classification.

Genome Diagnostics Laboratory, University Medical Center Utrecht
Classification: Likely benign. Review status: no assertion criteria provided. Collection method: clinical testing. Allele origin: germline. Affected: yes. Study: VKGL Data-share Consensus. Not counted in ClinVar's aggregate classification.